The following is an entry in ClinVar:

ClinVar aggregate classification (germline): Uncertain significance. Review status: criteria provided, multiple submitters, no conflicts (2 of 4 stars). 3 submissions from 3 submitters: Uncertain significance (3). Last evaluated 2026-07-21.

Conditions:
Neurofibromatosis, type 1 (NF1). Also called: NEUROFIBROMATOSIS, TYPE I, SOMATIC; Peripheral type neurofibromatosis; VON RECKLINGHAUSEN DISEASE; Neurofibromatosis, type I. Identifiers: Orphanet 636, MedGen C0027831, MONDO:0018975, OMIM 162200. Disease mechanism: loss of function.
NF1-related disorder. Also called: NF1-related condition. Identifiers: MedGen CN379171.
Cardiovascular phenotype. Identifiers: MedGen CN230736.
Hereditary cancer-predisposing syndrome. Also called: Hereditary Cancer Syndrome; Tumor predisposition; Neoplastic Syndromes, Hereditary; Hereditary neoplastic syndrome. Identifiers: Orphanet 140162, MedGen C0027672, MeSH D009386, MONDO:0015356.

Allele frequency attached by ClinVar (database versions not stated): gnomAD exomes below 0.00001; TOPMed below 0.00001.

Submissions (3):

Ambry Genetics
Classification: Uncertain significance for Cardiovascular phenotype; Hereditary cancer-predisposing syndrome. Last evaluated: 2026-07-21. Review status: criteria provided, single submitter. Criteria: Ambry Variant Classification Scheme 2023. Collection method: clinical testing. Allele origin: germline.
Comment: The p.I838T variant (also known as c.2513T>C), located in coding exon 21 of the NF1 gene, results from a T to C substitution at nucleotide position 2513. The isoleucine at codon 838 is replaced by threonine, an amino acid with similar properties. This amino acid position is conserved. In addition, this alteration is predicted to be deleterious by in silico analysis. Based on the available evidence, the clinical significance of this variant remains unclear.

PreventionGenetics, part of Exact Sciences
Classification: Uncertain significance for NF1-related condition. Last evaluated: 2025-04-19. Review status: criteria provided, single submitter. Criteria: ACMG Guidelines, 2015. Collection method: clinical testing. Allele origin: germline.
Comment: The NF1 c.2513T>C variant is predicted to result in the amino acid substitution p.Ile838Thr. To our knowledge, this variant has not been reported in the literature. This variant is reported in 0.0029% of alleles in individuals of Latino descent in gnomAD. A variant impacting the same amino acid position (p.Ile838Met) has been reported in an individual with neurofibromatosis; however, this individual was also heterozygous for NF1 (c.2531T>C; p.Leu844Pro), which is pathogenic (Koczkowska et al. 2018. PubMed ID: 29290338). At this time, the clinical significance of this variant is uncertain due to the absence of conclusive functional and genetic evidence.

Labcorp Genetics (formerly Invitae), Labcorp
Classification: Uncertain significance for Neurofibromatosis, type 1. Last evaluated: 2024-08-17. Review status: criteria provided, single submitter. Criteria: Invitae Variant Classification Sherloc (09022015). Collection method: clinical testing. Allele origin: germline.
Comment: This sequence change replaces isoleucine, which is neutral and non-polar, with threonine, which is neutral and polar, at codon 838 of the NF1 protein (p.Ile838Thr). This variant is present in population databases (no rsID available, gnomAD 0.003%). This variant has not been reported in the literature in individuals affected with NF1-related conditions. ClinVar contains an entry for this variant (Variation ID: 1443296). Invitae Evidence Modeling of protein sequence and biophysical properties (such as structural, functional, and spatial information, amino acid conservation, physicochemical variation, residue mobility, and thermodynamic stability) has been performed for this missense variant. However, the output from this modeling did not meet the statistical confidence thresholds required to predict the impact of this variant on NF1 protein function. In summary, the available evidence is currently insufficient to determine the role of this variant in disease. Therefore, it has been classified as a Variant of Uncertain Significance.

NM_001042492.3(NF1):c.2513T>C (p.Ile838Thr)

Gene: NF1 (neurofibromin 1; plus strand). Cytogenetic location: 17q11.2.
Variant type: single nucleotide variant.
Coding change: c.2513T>C on transcript NM_001042492.3 (MANE Select); coding-DNA position 2513, T replaced by C.
Protein change: p.Ile838Thr; replaces isoleucine 838 with threonine.
Molecular consequence: missense variant.
Genome position (GRCh38, 1-based): chr17:31,229,128, T>C. VCF-style: chr17-31229128-T-C. GRCh37 (hg19) VCF-style: chr17-29556146-T-C.
Other names: c.2513T>C, p.Ile838Thr (NM_000267.4); short protein forms I838T.
Identifiers: ClinVar variation 1443296 (VCV001443296.8), dbSNP rs1484277979, ClinGen allele CA398984146.
Genomic context (GRCh38, chr17:31,229,128, plus strand): 5'-CCCATGTGAGTGGAGGAGGATCCATAGATTTGTCTGACACAGACTCCCTACAGGAATGGA[T>C]CAACATGACTGGCTTCCTTTGTGCCCTTGGGGGAGTGTGCCTCCAGCAGAGAAGCAATTC-3'
Protein context (NP_001035957.1, residues 828-848): LSDTDSLQEW[Ile838Thr]NMTGFLCALG